The following is an entry in ClinVar:

NM_024649.5(BBS1):c.1693A>G (p.Lys565Glu)

Genes: BBS1 (Bardet-Biedl syndrome 1; plus strand), ZDHHC24 (zDHHC palmitoyltransferase 24; minus strand). Cytogenetic location: 11q13.2.
Variant type: single nucleotide variant.
Coding change: c.1693A>G on transcript NM_024649.5 (MANE Select); coding-DNA position 1693, A replaced by G.
Protein change: p.Lys565Glu; replaces lysine 565 with glutamic acid.
Molecular consequence: missense variant. On other transcripts: intron variant (1).
Genome position (GRCh38, 1-based): chr11:66,531,740, A>G. VCF-style: chr11-66531740-A-G. GRCh37 (hg19) VCF-style: chr11-66299211-A-G.
Other names: c.560-2252T>C (NM_001348571.2); short protein forms K565E.
Identifiers: ClinVar variation 1363040 (VCV001363040.6), dbSNP rs1856791342, ClinGen allele CA381426269.

ClinVar aggregate classification (germline): Uncertain significance (1 of 4 stars; one submission).

Conditions:
Bardet-Biedl syndrome (BBS). Identifiers: Orphanet 110, MedGen C0752166, MONDO:0015229.

Allele frequency attached by ClinVar (database versions not stated): TOPMed 0.00002.

Submission:

Labcorp Genetics (formerly Invitae), Labcorp
Classification: Uncertain significance for Bardet-Biedl syndrome. Last evaluated: 2022-08-16. Review status: criteria provided, single submitter. Criteria: Invitae Variant Classification Sherloc (09022015). Collection method: clinical testing. Allele origin: germline.
Comment: This sequence change replaces lysine, which is basic and polar, with glutamic acid, which is acidic and polar, at codon 565 of the BBS1 protein (p.Lys565Glu). In summary, the available evidence is currently insufficient to determine the role of this variant in disease. Therefore, it has been classified as a Variant of Uncertain Significance. Algorithms developed to predict the effect of sequence changes on RNA splicing suggest that this variant may create or strengthen a splice site. Algorithms developed to predict the effect of missense changes on protein structure and function are either unavailable or do not agree on the potential impact of this missense change (SIFT: "Deleterious"; PolyPhen-2: "Possibly Damaging"; Align-GVGD: "Class C15"). ClinVar contains an entry for this variant (Variation ID: 1363040). This variant has not been reported in the literature in individuals affected with BBS1-related conditions. This variant is not present in population databases (gnomAD no frequency).